The following is an entry in ClinVar:

ClinVar aggregate classification (germline): Benign (0 of 4 stars; one submission).

Conditions:
LRCH3-related disorder. Also called: LRCH3-related condition.

Allele frequency attached by ClinVar (database versions not stated): 1000 Genomes Project 30x 0.31652; 1000 Genomes Project 0.31829; ESP Exome Variant Server 0.31934; TOPMed 0.32977; ExAC 0.36481.
gnomAD v4.1: 559,108 of 1,580,070 alleles (35%); highest among the groups gnomAD compares: Admixed American, 44%; 101,074 homozygotes.

Submission:

PreventionGenetics, part of Exact Sciences
Classification: Benign for LRCH3-related condition. Last evaluated: 2019-10-17. Review status: no assertion criteria provided. Collection method: clinical testing. Allele origin: germline.
Comment: This variant is classified as benign based on ACMG/AMP sequence variant interpretation guidelines (Richards et al. 2015 PMID: 25741868, with internal and published modifications).

NM_001365715.1(LRCH3):c.1314T>C (p.Tyr438=)

Gene: LRCH3 (leucine rich repeats and calponin homology domain containing 3; plus strand). Cytogenetic location: 3q29.
Variant type: single nucleotide variant.
Coding change: c.1314T>C on transcript NM_001365715.1 (MANE Select); coding-DNA position 1314, T replaced by C.
Protein change: p.Tyr438=; no amino-acid change (tyrosine 438 retained).
Molecular consequence: synonymous variant. On other transcripts: non-coding transcript variant (1).
Genome position (GRCh38, 1-based): chr3:197,839,383, T>C. VCF-style: chr3-197839383-T-C. GRCh37 (hg19) VCF-style: chr3-197566254-T-C.
Other names: c.1314T>C, p.Tyr438= (NM_001363887.1, NM_001365716.1, NM_001365717.1 and 3 more transcripts).
Identifiers: ClinVar variation 3059506 (VCV003059506.2), dbSNP rs17850206, ClinGen allele CA2788299.